The following is an entry in ClinVar:

ClinVar aggregate classification (germline): Uncertain significance (1 of 4 stars; one submission).

gnomAD v4.1: 3 of 1,613,514 alleles (0.00019%); highest among the groups gnomAD compares: Non-Finnish European, 0.00025%; no homozygotes.

Submission:

GeneDx
Classification: Uncertain significance. Last evaluated: 2025-03-26. Review status: criteria provided, single submitter. Criteria: GeneDx Variant Classification Process June 2021. Collection method: clinical testing. Allele origin: germline. Affected: yes.
Comment: Not observed at significant frequency in large population cohorts (gnomAD); In silico analysis indicates that this missense variant does not alter protein structure/function; Has not been previously published as pathogenic or benign to our knowledge

NM_001127178.3(PIGG):c.723C>A (p.Ser241Arg)

Gene: PIGG (phosphatidylinositol glycan anchor biosynthesis class G (EMM blood group); plus strand). Cytogenetic location: 4p16.3.
Variant type: single nucleotide variant.
Coding change: c.723C>A on transcript NM_001127178.3 (MANE Select); coding-DNA position 723, C replaced by A.
Protein change: p.Ser241Arg; replaces serine 241 with arginine.
Molecular consequence: missense variant. On other transcripts: 5 prime UTR variant (4), non-coding transcript variant (10), intron variant (1).
Genome position (GRCh38, 1-based): chr4:507,557, C>A. VCF-style: chr4-507557-C-A. GRCh37 (hg19) VCF-style: chr4-501346-C-A.
Other names: c.456C>A, p.Ser152Arg (NM_001289051.2, NM_001289053.2, NM_001289057.2 and 2 more transcripts); c.357C>A, p.Ser119Arg (NM_001289055.2); c.-165C>A (NM_001345988.2); c.723C>A, p.Ser241Arg (NM_001345989.2, NM_017733.5); c.-903C>A (NM_001345990.2); c.-765C>A (NM_001345991.2); c.-490C>A (NM_001345994.2); c.361-1272C>A (NM_001289052.2); short protein forms S152R, S119R, S241R.
Identifiers: ClinVar variation 4087898 (VCV004087898.1).